The following is an entry in ClinVar:

ClinVar aggregate classification (germline): Likely benign. Review status: criteria provided, multiple submitters, no conflicts (2 of 4 stars). 3 submissions from 3 submitters: Likely benign (2). 1 of the submissions does not count toward it. Last evaluated 2023-04-27.

Conditions:
DLG3-related disorder. Also called: DLG3-related condition.
Inborn genetic diseases. Identifiers: MedGen C0950123, MeSH D030342.

Allele frequency attached by ClinVar (database versions not stated): gnomAD below 0.00001 and 0.00003; gnomAD exomes 0.00011 and 0.00026; 1000 Genomes Project 30x 0.00021; ExAC 0.00024; 1000 Genomes Project 0.00026.
gnomAD v4.1: 123 of 1,207,505 alleles (0.01%); highest among the groups gnomAD compares: South Asian, 0.21%; 1 homozygote.

Submissions (3):

Blueprint Genetics
Classification: Likely benign. Last evaluated: 2023-04-27. Review status: criteria provided, single submitter. Criteria: ACMG Guidelines, 2015. Collection method: clinical testing. Allele origin: germline.

Ambry Genetics
Classification: Likely benign for Inborn genetic diseases. Last evaluated: 2017-05-15. Review status: criteria provided, single submitter. Criteria: Ambry Variant Classification Scheme 2023. Collection method: clinical testing. Allele origin: germline.

PreventionGenetics, part of Exact Sciences
Classification: Likely benign for DLG3-related condition. Last evaluated: 2022-11-28. Review status: no assertion criteria provided. Collection method: clinical testing. Allele origin: germline. Not counted in ClinVar's aggregate classification.
Comment: This variant is classified as likely benign based on ACMG/AMP sequence variant interpretation guidelines (Richards et al. 2015 PMID: 25741868, with internal and published modifications).

NM_021120.4(DLG3):c.1899G>A (p.Leu633=)

Gene: DLG3 (discs large MAGUK scaffold protein 3; plus strand). Cytogenetic location: Xq13.1.
Variant type: single nucleotide variant.
Coding change: c.1899G>A on transcript NM_021120.4 (MANE Select); coding-DNA position 1899, G replaced by A.
Protein change: p.Leu633=; no amino-acid change (leucine 633 retained).
Molecular consequence: synonymous variant.
Genome position (GRCh38, 1-based): chrX:70,499,204, G>A. VCF-style: chrX-70499204-G-A. GRCh37 (hg19) VCF-style: chrX-69719054-G-A.
Other names: c.546G>A, p.Leu182= (NM_001166278.2); c.984G>A, p.Leu328= (NM_020730.3).
Identifiers: ClinVar variation 589081 (VCV000589081.8), dbSNP rs753393368, ClinGen allele CA10442311.